The following is an entry in ClinVar:

ClinVar aggregate classification (germline): Conflicting classifications of pathogenicity. Review status: criteria provided, conflicting classifications (1 of 4 stars). 12 submissions from 12 submitters: Pathogenic (2); Likely pathogenic (6); Uncertain significance (1). 3 of the submissions do not count toward it. Last evaluated 2026-01-13.

Conditions:
Hereditary breast ovarian cancer syndrome. Also called: Hereditary breast and ovarian cancer; Hereditary breast and ovarian cancer syndrome (HBOC); Breast and ovarian cancer; BRCA1- and BRCA2-Associated Hereditary Breast and Ovarian Cancer; Hereditary breast and ovarian cancer syndrome; Hereditary breast and/or ovarian cancer syndrome. Identifiers: Orphanet 145, MedGen C0677776, MeSH D061325, MONDO:0003582. Disease mechanism: loss of function.
Hereditary cancer-predisposing syndrome. Also called: Tumor predisposition; Neoplastic Syndromes, Hereditary; Hereditary Cancer Syndrome; Hereditary neoplastic syndrome. Identifiers: Orphanet 140162, MedGen C0027672, MeSH D009386, MONDO:0015356.
CHEK2-related cancer predisposition (TPDS4). Also called: CHEK2-related cancer susceptibility; TUMOR PREDISPOSITION SYNDROME 4; CANCER PREDISPOSITION SYNDROME, CHEK2-RELATED. Identifiers: Orphanet 524, MedGen C5882668, MONDO:0700271, OMIM 609265.
Familial cancer of breast. Also called: BREAST CANCER, FAMILIAL; hereditary breast carcinoma; Hereditary breast cancer. Identifiers: Orphanet 227535, MedGen C0346153, MONDO:0016419, OMIM 114480. Disease mechanism: loss of function.

Allele frequency attached by ClinVar (database versions not stated): TOPMed below 0.00001; gnomAD 0.00001; gnomAD exomes 0.00001.
gnomAD v4.1: 8 of 1,486,622 alleles (0.00054%); highest among the groups gnomAD compares: Middle Eastern, 0.017%; no homozygotes.

Submissions (12):

Labcorp Genetics (formerly Invitae), Labcorp
Classification: Pathogenic for Familial cancer of breast. Last evaluated: 2026-01-13. Review status: criteria provided, single submitter. Criteria: Invitae Variant Classification Sherloc (09022015). Collection method: clinical testing. Allele origin: germline.
Comment: This sequence change falls in intron 11 of the CHEK2 gene. It does not directly change the encoded amino acid sequence of the CHEK2 protein. RNA analysis indicates that this variant induces altered splicing and may result in an absent or altered protein product. This variant is not present in population databases (gnomAD no frequency). This variant has been observed in individual(s) with breast cancer (PMID: 31050813). ClinVar contains an entry for this variant (Variation ID: 216641). Studies have shown that this variant results in activation of a cryptic splice site, and produces a non-functional protein and/or introduces a premature termination codon (PMID: 31050813, 37725924; internal data). For these reasons, this variant has been classified as Pathogenic.

Division of Genetic & Genomic Pathology, Hong Kong Children's Hospital
Classification: Likely pathogenic for CHEK2-related cancer predisposition. Last evaluated: 2025-05-01. Review status: criteria provided, single submitter. Criteria: ACMG Guidelines, 2015. Collection method: clinical testing. Allele origin: germline. Affected: yes.
Comment: CHEK2 c.1260-8A>G affects the acceptor splice region in intron 11 (out of 14 introns). The variant is present at a low frequency in control populations (gnomAD v2.1.1: absent, gnomAD v4.1.0: 8 in 1,486,622 alleles). RNA study showed that this variant creates a new splice acceptor splice site that results in the inclusion of seven intronic nucleotides and creation of a premature termination codon (PMID: 31050813). Another RNA study using minigene assay demonstrated that the variant would result in near complete (i.e. 99.0%) loss-of-function transcripts (PMID: 37725924). For these reasons, this variant is classified as likely pathogenic.

GeneDx
Classification: Likely pathogenic. Last evaluated: 2025-03-24. Review status: criteria provided, single submitter. Criteria: GeneDx Variant Classification Process June 2021. Collection method: clinical testing. Allele origin: germline. Affected: yes.
Comment: Not observed at significant frequency in large population cohorts (gnomAD); This variant is associated with the following publications: (PMID: 23054060, 31050813, 37725924)

Center for Genomic Medicine, Rigshospitalet, Copenhagen University Hospital
Classification: Likely pathogenic. Last evaluated: 2025-03-04. Review status: criteria provided, single submitter. Criteria: ACMG Guidelines, 2015. Collection method: clinical testing. Allele origin: germline.

CeGaT Center for Human Genetics Tuebingen
Classification: Uncertain significance. Last evaluated: 2024-11-01. Review status: criteria provided, single submitter. Criteria: CeGaT Center For Human Genetics Tuebingen Variant Classification Criteria Version 2. Collection method: clinical testing. Allele origin: germline. Affected: yes. Observed: 1 variant allele.
Comment: CHEK2: PVS1:Strong, PS3:Supporting

Baylor Genetics
Classification: Likely pathogenic for Familial cancer of breast. Last evaluated: 2024-03-24. Review status: criteria provided, single submitter. Criteria: ACMG Guidelines, 2015. Collection method: clinical testing. Allele origin: unknown.

German Consortium for Hereditary Breast and Ovarian Cancer, University Hospital Cologne
Classification: Likely pathogenic for Hereditary breast ovarian cancer syndrome. Last evaluated: 2023-10-08. Review status: criteria provided, single submitter. Criteria: ACMG Guidelines, 2015. Collection method: curation. Allele origin: germline.
Comment: Splice Prediction positive, Splice effect experimentally proven by Kleiblova et al. 2019. According to the ACMG standard criteria we chose these criteria: PS3 (strong pathogenic): Splice effect experimentally proven by Kleiblova et al. 2019 and Ambry Genetics, PM2 (supporting pathogenic): Absent from gnomAD, PP3 (supporting pathogenic): SpliceAI Score 0.99

Ambry Genetics
Classification: Pathogenic for Hereditary cancer-predisposing syndrome. Last evaluated: 2023-07-25. Review status: criteria provided, single submitter. Criteria: Ambry Variant Classification Scheme 2023. Collection method: clinical testing. Allele origin: germline.
Comment: The c.1260-8A>G intronic pathogenic mutation results from an A to G substitution 8 nucleotides upstream from coding exon 11 in the CHEK2 gene. This nucleotide position is well conserved in available vertebrate species. In silico splice site analysis predicts that this alteration will weaken the native splice acceptor site and will result in the creation or strengthening of a novel splice acceptor site. RNA studies have demonstrated that this alteration results in abnormal splicing in the set of samples tested (Ambry internal data; Kleiblova P et al. Int. J. Cancer, 2019 10;145:1782-1797). Based on the supporting evidence, this alteration is interpreted as a disease-causing mutation.

Color Diagnostics, LLC DBA Color Health
Classification: Likely pathogenic for Hereditary cancer-predisposing syndrome. Last evaluated: 2023-01-26. Review status: criteria provided, single submitter. Criteria: ACMG Guidelines, 2015. Collection method: clinical testing. Allele origin: germline.
Comment: This variant causes an A to G nucleotide substitution at the -8 position of intron 11 of the CHEK2 gene. RNA studies with multiple carrier individuals have shown that this variant creates a new splice acceptor site that results in the inclusion of 7 intronic nucleotides and, subsequently, frameshift and premature protein translation start signal (PMID: 31050813; ClinVar SCV002681983.1). This variant has been reported in an individual affected with familial breast cancer (PMID: 31050813) and in several unaffected individuals (PMID: 31050813). This variant has not been identified in the general population by the Genome Aggregation Database (gnomAD). Loss of CHEK2 function is a known mechanism of disease. Based on the available evidence, this variant is classified as Likely Pathogenic.

Counsyl
Classification: Uncertain significance for Familial cancer of breast. Last evaluated: 2017-08-25. Review status: no assertion criteria provided. Collection method: clinical testing. Allele origin: unknown. Not counted in ClinVar's aggregate classification.

Joint Genome Diagnostic Labs from Nijmegen and Maastricht, Radboudumc and MUMC+
Classification: Uncertain significance. Review status: no assertion criteria provided. Collection method: clinical testing. Allele origin: germline. Affected: yes. Study: VKGL Data-share Consensus. Not counted in ClinVar's aggregate classification.

Laboratory of Diagnostic Genome Analysis, Leiden University Medical Center (LUMC)
Classification: Uncertain significance. Review status: no assertion criteria provided. Collection method: clinical testing. Allele origin: germline. Affected: yes. Study: VKGL Data-share Consensus. Not counted in ClinVar's aggregate classification.

Literature cited by the submitters: PubMed 31050813 (cited by 5 submitters); PubMed 37725924 (cited by 3 submitters).

NM_007194.4(CHEK2):c.1260-8A>G

Gene: CHEK2 (checkpoint kinase 2; minus strand). Cytogenetic location: 22q12.1.
Variant type: single nucleotide variant.
Coding change: c.1260-8A>G on transcript NM_007194.4 (MANE Select); 8 bases into the intron before coding-DNA position 1260, A replaced by G.
Molecular consequence: intron variant.
Genome position (GRCh38, 1-based): chr22:28,695,250, T>C on the plus strand (A>G on the coding strand, the complement: CHEK2 is on the minus strand). VCF-style: chr22-28695250-T-C. GRCh37 (hg19) VCF-style: chr22-29091238-T-C.
Other names: c.597-8A>G (NM_001437942.1, NM_001257387.3); c.1059-8A>G (NM_001349956.3); c.1173-8A>G (NM_145862.3); c.1266-8A>G (NM_001438295.1); c.1353-8A>G (NM_001438293.1); c.1302-8A>G (NM_001438294.1); c.1389-8A>G (NM_001005735.3).
Identifiers: ClinVar variation 216641 (VCV000216641.46), dbSNP rs863224747, ClinGen allele CA336126.